The following is an entry in ClinVar:

ClinVar aggregate classification (germline): Likely pathogenic (1 of 4 stars; one submission).

Conditions:
Ataxia-telangiectasia syndrome (AT). Also called: Ataxia-telangiectasia, complementation group E; Ataxia telangiectasia (A-T); LOUIS-BAR SYNDROME; Ataxia-telangiectasia, complementation group D; AT, COMPLEMENTATION GROUP C; ATAXIA-TELANGIECTASIA, COMPLEMENTATION GROUP A. Identifiers: Orphanet 100, MedGen C0004135, MONDO:0008840, OMIM 208900.

Submission:

Natera, Inc.
Classification: Likely pathogenic for Ataxia-telangiectasia. Last evaluated: 2025-12-31. Review status: criteria provided, single submitter. Criteria: Natera Variant Classification Schema (03/2026). Collection method: clinical testing. Allele origin: germline.
Comment: The c.5663dup variant in ATM is a frameshift variant predicted to shift the reading frame beginning at codon 1888 and leads to a stop codon 16 codons downstream. This variant is expected to result in nonsense mediated decay, truncation, or a dysfunctional protein product. This variant is rare in the general population with a frequency below the threshold expected for the associated phenotype(s). Given the available evidence, this variant is classified as Likely Pathogenic.

NM_000051.4(ATM):c.5663dup (p.Asn1888fs)

Gene: ATM (ATM serine/threonine kinase; plus strand). Cytogenetic location: 11q22.3.
Variant type: Duplication.
Coding change: c.5663dup on transcript NM_000051.4 (MANE Select); coding-DNA position 5663, one base duplicated (A; older notation c.5663dupA).
Protein change: p.Asn1888fs; shifts the reading frame from asparagine 1888.
Molecular consequence: frameshift variant.
Genome position (GRCh38, 1-based): chr11:108,304,841, A duplicated; the last of 3 consecutive A bases (chr11:108,304,839-108,304,841); duplicating any one gives the same sequence. VCF-style (leftmost placement, unchanged base first): chr11-108304838-C-CA. GRCh37 (hg19) VCF-style: chr11-108175565-C-CA.
Other names: c.5663dup, p.Asn1888fs (NM_001351834.2); short protein forms N1888fs.
Identifiers: ClinVar variation 4814597 (VCV004814597.1).
Genomic context (GRCh38, chr11:108,304,838, plus strand): 5'-AGGGATTTTTCACCAGCTGTCTTCGACACTTCTCGCAAACGAGCCGATCCACAACCCCTG[C>CA]AAACTTGGATTCAGGTATTCTATTAAATTTTTAACATTAATACTGTAAACTCAGTTCTAG-3'